The following is an entry in ClinVar:

NM_000155.4(GALT):c.1014C>T (p.Gly338=)

Gene: GALT (galactose-1-phosphate uridylyltransferase; plus strand). Cytogenetic location: 9p13.3.
Variant type: single nucleotide variant.
Coding change: c.1014C>T on transcript NM_000155.4 (MANE Select); coding-DNA position 1014, C replaced by T.
Protein change: p.Gly338=; no amino-acid change (glycine 338 retained).
Molecular consequence: synonymous variant.
Genome position (GRCh38, 1-based): chr9:34,649,519, C>T. VCF-style: chr9-34649519-C-T. GRCh37 (hg19) VCF-style: chr9-34649516-C-T.
Other names: p.Gly338=; c.687C>T, p.Gly229= (NM_001258332.2).
Identifiers: ClinVar variation 1691432 (VCV001691432.5), dbSNP rs111033811, ClinGen allele CA464404431.
Genomic context (GRCh38, chr9:34,649,519, plus strand): 5'-GCACGCTCATTACTACCCTCCGCTCCTGCGCTCTGCCACTGTCCGGAAATTCATGGTTGG[C>T]TACGAAATGCTTGCTCAGGCTCAGAGGGACCTCACCCCTGAGCAGGTCAGGACTCAGAAC-3'
Protein context (NP_000146.2, residues 328-348): RSATVRKFMV[Gly338=]YEMLAQAQRD

ClinVar aggregate classification (germline): Likely pathogenic (1 of 4 stars; one submission).

Submission:

Mayo Clinic Laboratories, Mayo Clinic
Classification: Likely pathogenic. Last evaluated: 2021-05-27. Review status: criteria provided, single submitter. Criteria: ACMG Guidelines, 2015. Collection method: clinical testing. Allele origin: germline.
Comment: PS4_moderate, PM2, PP4

Literature cited by the submitters: PubMed 22944367; PubMed 30172461; PubMed 34030713; PubMed 27308838; PubMed 32072977.